The following is an entry in ClinVar:

ClinVar aggregate classification (germline): Conflicting classifications of pathogenicity. Review status: criteria provided, conflicting classifications (1 of 4 stars). 2 submissions from 2 submitters: Uncertain significance (1); Likely benign (1). Last evaluated 2025-11-25.

Conditions:
Hereditary cancer-predisposing syndrome. Also called: Tumor predisposition; Hereditary Cancer Syndrome; Hereditary neoplastic syndrome; Neoplastic Syndromes, Hereditary. Identifiers: Orphanet 140162, MedGen C0027672, MeSH D009386, MONDO:0015356.

Submissions (2):

Ambry Genetics
Classification: Likely benign for Hereditary cancer-predisposing syndrome. Last evaluated: 2025-11-25. Review status: criteria provided, single submitter. Criteria: Ambry Variant Classification Scheme 2023. Collection method: clinical testing. Allele origin: germline.

GeneDx
Classification: Uncertain significance. Last evaluated: 2023-07-10. Review status: criteria provided, single submitter. Criteria: GeneDx Variant Classification Process June 2021. Collection method: clinical testing. Allele origin: germline. Affected: yes.
Comment: Not observed at significant frequency in large population cohorts (gnomAD); In silico analysis supports that this missense variant does not alter protein structure/function; Has not been previously published as pathogenic or benign to our knowledge; Also known as 4033G>A

NM_000059.4(BRCA2):c.3805G>A (p.Val1269Ile)

Gene: BRCA2 (BRCA2 DNA repair associated; plus strand). Cytogenetic location: 13q13.1.
Variant type: single nucleotide variant.
Coding change: c.3805G>A on transcript NM_000059.4 (MANE Select); coding-DNA position 3805, G replaced by A.
Protein change: p.Val1269Ile; replaces valine 1269 with isoleucine.
Molecular consequence: missense variant. On other transcripts: non-coding transcript variant (1), intron variant (2).
Genome position (GRCh38, 1-based): chr13:32,338,160, G>A. VCF-style: chr13-32338160-G-A. GRCh37 (hg19) VCF-style: chr13-32912297-G-A.
Other names: c.3805G>A, p.Val1269Ile (NM_001406719.1, NM_001406720.1, NM_001432077.1); c.1909+4773G>A (NM_001406721.1); c.425-6398G>A (NM_001406722.1); short protein forms V1269I.
Identifiers: ClinVar variation 3360816 (VCV003360816.2).